The following is an entry in ClinVar:

NM_001199138.2(NLRC4):c.208C>T (p.Leu70Phe)

Gene: NLRC4 (NLR family CARD domain containing 4; minus strand). Cytogenetic location: 2p22.3.
Variant type: single nucleotide variant.
Coding change: c.208C>T on transcript NM_001199138.2 (MANE Select); coding-DNA position 208, C replaced by T.
Protein change: p.Leu70Phe; replaces leucine 70 with phenylalanine.
Molecular consequence: missense variant.
Genome position (GRCh38, 1-based): chr2:32,252,473, G>A on the plus strand (C>T on the coding strand, the complement: NLRC4 is on the minus strand). VCF-style: chr2-32252473-G-A. GRCh37 (hg19) VCF-style: chr2-32477542-G-A.
Other names: c.208C>T, p.Leu70Phe (NM_001199139.2, NM_001302504.2, NM_021209.5); short protein forms L70F.
Identifiers: ClinVar variation 1087800 (VCV001087800.12), dbSNP rs201587008, ClinGen allele CA1602199.

ClinVar aggregate classification (germline): Likely benign. Review status: criteria provided, multiple submitters, no conflicts (2 of 4 stars). 3 submissions from 3 submitters: Likely benign (2). 1 of the submissions does not count toward it. Last evaluated 2025-10-29.

Conditions:
Periodic fever-infantile enterocolitis-autoinflammatory syndrome. Also called: Autoinflammation with infantile enterocolitis. Identifiers: Orphanet 436166, MedGen C4015067, MONDO:0014472, OMIM 616050.
Familial cold autoinflammatory syndrome 4 (FCAS4). Identifiers: Orphanet 47045, Orphanet 576349, MedGen C4015276, MONDO:0014498, OMIM 616115.
NLRC4-related disorder. Also called: NLRC4-related condition.

Allele frequency attached by ClinVar (database versions not stated): gnomAD 0.00005 and 0.00007; TOPMed 0.00007; gnomAD exomes 0.00011 and 0.00019; 1000 Genomes Project 30x 0.00016; 1000 Genomes Project 0.00020; ExAC 0.00026.
gnomAD v4.1: 169 of 1,611,766 alleles (0.01%); highest among the groups gnomAD compares: East Asian, 0.37%; 1 homozygote.

Submissions (3):

Labcorp Genetics (formerly Invitae), Labcorp
Classification: Likely benign for Periodic fever-infantile enterocolitis-autoinflammatory syndrome; Familial cold autoinflammatory syndrome 4. Last evaluated: 2025-10-29. Review status: criteria provided, single submitter. Criteria: Invitae Variant Classification Sherloc (09022015). Collection method: clinical testing. Allele origin: germline.

Women's Health and Genetics/Laboratory Corporation of America, LabCorp
Classification: Likely benign. Last evaluated: 2025-10-01. Review status: criteria provided, single submitter. Criteria: LabCorp Variant Classification Summary - May 2015. Collection method: clinical testing. Allele origin: germline.

PreventionGenetics, part of Exact Sciences
Classification: Likely benign for NLRC4-related condition. Last evaluated: 2023-03-31. Review status: no assertion criteria provided. Collection method: clinical testing. Allele origin: germline. Not counted in ClinVar's aggregate classification.
Comment: This variant is classified as likely benign based on ACMG/AMP sequence variant interpretation guidelines (Richards et al. 2015 PMID: 25741868, with internal and published modifications).